The following is an entry in ClinVar:

NM_001197104.2(KMT2A):c.1172C>T (p.Ala391Val)

Gene: KMT2A (lysine methyltransferase 2A; plus strand). Cytogenetic location: 11q23.3.
Variant type: single nucleotide variant.
Coding change: c.1172C>T on transcript NM_001197104.2 (MANE Select); coding-DNA position 1172, C replaced by T.
Protein change: p.Ala391Val; replaces alanine 391 with valine.
Molecular consequence: missense variant.
Genome position (GRCh38, 1-based): chr11:118,472,331, C>T. VCF-style: chr11-118472331-C-T. GRCh37 (hg19) VCF-style: chr11-118343046-C-T.
Other names: c.1271C>T, p.Ala424Val (NM_001412597.1); c.1172C>T, p.Ala391Val (NM_005933.4); short protein forms A424V, A391V.
Identifiers: ClinVar variation 3632677 (VCV003632677.2).
Genomic context (GRCh38, chr11:118,472,331, plus strand): 5'-TTGCTAAGCAACTCTTACAGAGGGCAAAAAAGGGGGCTCAAAAGAAAATTGAAAAAGAAG[C>T]AGCTCAGCTGCAGGGAAGAAAGGTGAAGACACAGGTCAAAAATATTCGACAGTTCATCAT-3'
Protein context (NP_001184033.1, residues 381-401): KGAQKKIEKE[Ala391Val]AQLQGRKVKT

ClinVar aggregate classification (germline): Uncertain significance (1 of 4 stars; one submission).

gnomAD v4.1: 1 of 1,614,142 alleles (0.000062%); highest among the groups gnomAD compares: Non-Finnish European, 0.000085%; no homozygotes.

Submission:

Labcorp Genetics (formerly Invitae), Labcorp
Classification: Uncertain significance. Last evaluated: 2024-09-11. Review status: criteria provided, single submitter. Criteria: Invitae Variant Classification Sherloc (09022015). Collection method: clinical testing. Allele origin: germline.
Comment: This sequence change replaces alanine, which is neutral and non-polar, with valine, which is neutral and non-polar, at codon 391 of the KMT2A protein (p.Ala391Val). This variant is present in population databases (no rsID available, gnomAD 0.0009%). This variant has not been reported in the literature in individuals affected with KMT2A-related conditions. Invitae Evidence Modeling of protein sequence and biophysical properties (such as structural, functional, and spatial information, amino acid conservation, physicochemical variation, residue mobility, and thermodynamic stability) has been performed for this missense variant. However, the output from this modeling did not meet the statistical confidence thresholds required to predict the impact of this variant on KMT2A protein function. In summary, the available evidence is currently insufficient to determine the role of this variant in disease. Therefore, it has been classified as a Variant of Uncertain Significance.